The following is an entry in ClinVar:

NM_006059.4(LAMC3):c.3250G>C (p.Glu1084Gln)

Gene: LAMC3 (laminin subunit gamma 3; plus strand). Cytogenetic location: 9q34.12.
Variant type: single nucleotide variant.
Coding change: c.3250G>C on transcript NM_006059.4 (MANE Select); coding-DNA position 3250, G replaced by C.
Protein change: p.Glu1084Gln; replaces glutamic acid 1084 with glutamine.
Molecular consequence: missense variant.
Genome position (GRCh38, 1-based): chr9:131,072,668, G>C. VCF-style: chr9-131072668-G-C. GRCh37 (hg19) VCF-style: chr9-133948055-G-C.
Other names: short protein forms E1084Q.
Identifiers: ClinVar variation 194958 (VCV000194958.71), dbSNP rs146221263, ClinGen allele CA205150.

ClinVar aggregate classification (germline): Conflicting classifications of pathogenicity. Review status: criteria provided, conflicting classifications (1 of 4 stars). 14 submissions from 14 submitters: Uncertain significance (1); Benign (2); Likely benign (7). 4 of the submissions do not count toward it. Last evaluated 2026-06-01.

Conditions:
LAMC3-related disorder. Also called: LAMC3-related condition.
Inborn genetic diseases. Identifiers: MedGen C0950123, MeSH D030342.
Left ventricular noncompaction. Identifiers: Orphanet 54260, MedGen C1960469, MONDO:0018901, HP:0030682.
Occipital pachygyria and polymicrogyria. Identifiers: Orphanet 280640, MedGen C3279875, MONDO:0013583, OMIM 614115.

Allele frequency attached by ClinVar (database versions not stated): 1000 Genomes Project 30x 0.00219; 1000 Genomes Project 0.00220; ESP Exome Variant Server 0.00323; TOPMed 0.00341.

Submissions (14):

CeGaT Center for Human Genetics Tuebingen
Classification: Likely benign. Last evaluated: 2026-06-01. Review status: criteria provided, single submitter. Criteria: CeGaT Center For Human Genetics Tuebingen Variant Classification Criteria Version 2. Collection method: clinical testing. Allele origin: germline. Affected: yes. Observed: 14 variant alleles.
Comment: LAMC3: BP4, BS2

Labcorp Genetics (formerly Invitae), Labcorp
Classification: Likely benign. Last evaluated: 2026-02-03. Review status: criteria provided, single submitter. Criteria: Invitae Variant Classification Sherloc (09022015). Collection method: clinical testing. Allele origin: germline.

Blueprint Genetics
Classification: Likely benign. Last evaluated: 2024-11-25. Review status: criteria provided, single submitter. Criteria: ACMG Guidelines, 2015. Collection method: clinical testing. Allele origin: germline.

Ambry Genetics
Classification: Likely benign for Inborn genetic diseases. Last evaluated: 2021-11-05. Review status: criteria provided, single submitter. Criteria: Ambry Variant Classification Scheme 2023. Collection method: clinical testing. Allele origin: germline.

GeneDx
Classification: Likely benign. Last evaluated: 2021-01-11. Review status: criteria provided, single submitter. Criteria: GeneDx Variant Classification Process June 2021. Collection method: clinical testing. Allele origin: germline. Affected: yes.

Cambridge Genomics Laboratory, East Genomic Laboratory Hub, NHS Genomic Medicine Service
Classification: Benign for Left ventricular noncompaction. Last evaluated: 2020-02-11. Review status: criteria provided, single submitter. Criteria: ACGS Best Practice Guidelines for Variant Classification in Rare Disease 2020. Collection method: clinical testing. Allele origin: germline. Affected: yes. Observed: 1 variant allele.

Dubai Health Genomic Medicine Center, Dubai Health
Classification: Benign. Last evaluated: 2020-01-06. Review status: criteria provided, single submitter. Criteria: ACMG Guidelines, 2015. Collection method: clinical testing. Allele origin: germline. Affected: yes.

Center for Pediatric Genomic Medicine, Children's Mercy Hospital and Clinics
Classification: Likely benign. Last evaluated: 2017-06-06. Review status: criteria provided, single submitter. Criteria: ACMG Guidelines, 2015. Collection method: clinical testing. Allele origin: germline.

Genetic Services Laboratory, University of Chicago
Classification: Likely benign. Last evaluated: 2015-05-15. Review status: criteria provided, single submitter. Criteria: ACMG Guidelines, 2015. Collection method: clinical testing. Allele origin: germline.

Eurofins Ntd Llc (ga)
Classification: Uncertain significance. Last evaluated: 2014-12-05. Review status: criteria provided, single submitter. Criteria: EGL Classification Definitions 2015. Collection method: clinical testing. Allele origin: germline. Observed: 1 variant allele, 1 heterozygote.

PreventionGenetics, part of Exact Sciences
Classification: Likely benign for LAMC3-related condition. Last evaluated: 2022-01-27. Review status: no assertion criteria provided. Collection method: clinical testing. Allele origin: germline. Not counted in ClinVar's aggregate classification.
Comment: This variant is classified as likely benign based on ACMG/AMP sequence variant interpretation guidelines (Richards et al. 2015 PMID: 25741868, with internal and published modifications).

Clinical Genetics DNA and cytogenetics Diagnostics Lab, Erasmus MC, Erasmus Medical Center
Classification: Likely benign. Review status: no assertion criteria provided. Collection method: clinical testing. Allele origin: germline. Affected: yes. Study: VKGL Data-share Consensus. Not counted in ClinVar's aggregate classification.

Diagnostic Laboratory, Department of Genetics, University Medical Center Groningen
Classification: Likely benign for Occipital pachygyria and polymicrogyria. Review status: no assertion criteria provided. Collection method: clinical testing. Allele origin: germline. Affected: yes. Study: VKGL Data-share Consensus. Not counted in ClinVar's aggregate classification.

Genome Diagnostics Laboratory, Amsterdam University Medical Center
Classification: Likely benign. Review status: no assertion criteria provided. Collection method: clinical testing. Allele origin: germline. Affected: yes. Study: VKGL Data-share Consensus. Not counted in ClinVar's aggregate classification.